The following is an entry in ClinVar:

ClinVar aggregate classification (germline): Uncertain significance (0 of 4 stars; one submission).

Conditions:
ATM-related disorder. Also called: ATM-related disorders; ATM-related condition.

Submission:

PreventionGenetics, part of Exact Sciences
Classification: Uncertain significance for ATM-related condition. Last evaluated: 2024-08-29. Review status: no assertion criteria provided. Collection method: clinical testing. Allele origin: germline.
Comment: The ATM c.640T>A variant is predicted to result in the amino acid substitution p.Ser214Thr. To our knowledge, this variant has not been reported in the literature or in a large population database, indicating this variant is rare. At this time, the clinical significance of this variant is uncertain due to the absence of conclusive functional and genetic evidence.

NM_000051.4(ATM):c.640T>A (p.Ser214Thr)

Gene: ATM (ATM serine/threonine kinase; plus strand). Cytogenetic location: 11q22.3.
Variant type: single nucleotide variant.
Coding change: c.640T>A on transcript NM_000051.4 (MANE Select); coding-DNA position 640, T replaced by A.
Protein change: p.Ser214Thr; replaces serine 214 with threonine.
Molecular consequence: missense variant.
Genome position (GRCh38, 1-based): chr11:108,244,096, T>A. VCF-style: chr11-108244096-T-A. GRCh37 (hg19) VCF-style: chr11-108114823-T-A.
Other names: c.640T>A, p.Ser214Thr (NM_001351834.2); short protein forms S214T.
Identifiers: ClinVar variation 3344686 (VCV003344686.1).